The following is an entry in ClinVar:

ClinVar aggregate classification (germline): Uncertain significance (1 of 4 stars; one submission).

Allele frequency attached by ClinVar (database versions not stated): gnomAD exomes 0.00001.
gnomAD v4.1: 7 of 1,613,592 alleles (0.00043%); highest among the groups gnomAD compares: Non-Finnish European, 0.00042%; no homozygotes.

Submission:

Labcorp Genetics (formerly Invitae), Labcorp
Classification: Uncertain significance. Last evaluated: 2023-09-01. Review status: criteria provided, single submitter. Criteria: Invitae Variant Classification Sherloc (09022015). Collection method: clinical testing. Allele origin: germline.
Comment: In summary, the available evidence is currently insufficient to determine the role of this variant in disease. Therefore, it has been classified as a Variant of Uncertain Significance. Advanced modeling of protein sequence and biophysical properties (such as structural, functional, and spatial information, amino acid conservation, physicochemical variation, residue mobility, and thermodynamic stability) performed at Invitae indicates that this missense variant is not expected to disrupt TUBB2A protein function. This variant has not been reported in the literature in individuals affected with TUBB2A-related conditions. This variant is present in population databases (no rsID available, gnomAD 0.004%). This sequence change replaces phenylalanine, which is neutral and non-polar, with tyrosine, which is neutral and polar, at codon 85 of the TUBB2A protein (p.Phe85Tyr).

NM_001069.3(TUBB2A):c.254T>A (p.Phe85Tyr)

Gene: TUBB2A (tubulin beta 2A class IIa; minus strand). Cytogenetic location: 6p25.2.
Variant type: single nucleotide variant.
Coding change: c.254T>A on transcript NM_001069.3 (MANE Select); coding-DNA position 254, T replaced by A.
Protein change: p.Phe85Tyr; replaces phenylalanine 85 with tyrosine.
Molecular consequence: missense variant. On other transcripts: 5 prime UTR variant (1).
Genome position (GRCh38, 1-based): chr6:3,155,648, A>T on the plus strand (T>A on the coding strand, the complement: TUBB2A is on the minus strand). VCF-style: chr6-3155648-A-T. GRCh37 (hg19) VCF-style: chr6-3155882-A-T.
Other names: c.-134T>A (NM_001310315.2); short protein forms F85Y.
Identifiers: ClinVar variation 2865009 (VCV002865009.3), dbSNP rs1297384807, ClinGen allele CA362593175.